The following is an entry in ClinVar:

NM_005357.4(LIPE):c.3212G>C (p.Gly1071Ala)

Genes: LIPE (lipase E, hormone sensitive type; minus strand), LIPE-AS1 (LIPE antisense RNA 1; plus strand), LOC101930071 (uncharacterized LOC101930071; plus strand). Cytogenetic location: 19q13.2.
Variant type: single nucleotide variant.
Coding change: c.3212G>C on transcript NM_005357.4 (MANE Select); coding-DNA position 3212, G replaced by C.
Protein change: p.Gly1071Ala; replaces glycine 1071 with alanine.
Molecular consequence: missense variant.
Genome position (GRCh38, 1-based): chr19:42,401,831, C>G on the plus strand (G>C on the coding strand, the complement: LIPE is on the minus strand). VCF-style: chr19-42401831-C-G. GRCh37 (hg19) VCF-style: chr19-42905983-C-G.
Other names: c.2462G>C, p.Gly821Ala (NM_001416100.1); c.2447G>C, p.Gly816Ala (NM_001416101.1); c.2342G>C, p.Gly781Ala (NM_001416102.1); c.2309G>C, p.Gly770Ala (NM_001416103.1, NM_001416104.1); c.2219G>C, p.Gly740Ala (NM_001416105.1); c.2114G>C, p.Gly705Ala (NM_001416106.1); c.1625G>C, p.Gly542Ala (NM_001416107.1); c.1571G>C, p.Gly524Ala (NM_001416108.1); short protein forms G1071A, G524A, G542A, G705A, G740A, G770A, G781A, G816A.
Identifiers: ClinVar variation 3367084 (VCV003367084.1).

ClinVar aggregate classification (germline): Uncertain significance (1 of 4 stars; one submission).

Conditions:
LIPE-related familial partial lipodystrophy. Also called: LIPODYSTROPHY, FAMILIAL PARTIAL, ASSOCIATED WITH LIPE MUTATIONS; Familial partial lipodystrophy 6. Identifiers: Orphanet 435660, MedGen C4014869, MONDO:0014431, OMIM 615980.

Submission:

Neuberg Centre For Genomic Medicine, NCGM
Classification: Uncertain significance for LIPE-related familial partial lipodystrophy. Last evaluated: 2023-05-20. Review status: criteria provided, single submitter. Criteria: ACMG Guidelines, 2015. Collection method: clinical testing. Allele origin: germline. Inheritance: Autosomal recessive inheritance. Affected: yes.
Comment: The observed missense c.3212G>C (p.Gly1071Ala) variant in LIPE gene has not been reported previously as a pathogenic variant nor as a benign variant, to our knowledge. The p.Gly1071Ala variant is present with allele frequency of 0.001% in gnomAD Exomes. This variant has not been submitted to the ClinVar database. Multiple lines of computational evidence (Polyphen - Benign, SIFT - Tolerated and MutationTaster - Polymorphism) predict no damaging effect on protein structure and function for this variant. The amino acid change p.Gly1071Ala in LIPE is predicted as conserved by PhyloP across 100 vertebrates. The amino acid Gly at position 1071 is changed to a Ala changing protein sequence and it might alter its composition and physico-chemical properties. For these reasons, this variant has been classified as a Variant of Uncertain Significance (VUS).